The following is an entry in ClinVar:

ClinVar aggregate classification (germline): Conflicting classifications of pathogenicity. Review status: criteria provided, conflicting classifications (1 of 4 stars). 3 submissions from 3 submitters: Uncertain significance (2); Likely benign (1). Last evaluated 2025-07-17.

Conditions:
RYR1-related disorder. Also called: RYR1-related condition; RYR1-related disorders. Identifiers: MedGen CN239331.
Malignant hyperthermia, susceptibility to, 1 (MHS1). Also called: RYR1-Related Malignant Hyperthermia Susceptibility; Anesthesia related hyperthermia; Malignant hyperpyrexia; Fulminating hyperpyrexia; Pharmacogenic myopathy; Malignant hyperthermia suceptibility 1. Identifiers: Orphanet 423, MedGen C2930980, MONDO:0007783, OMIM 145600.

Allele frequency attached by ClinVar (database versions not stated): 1000 Genomes Project 30x 0.00016; 1000 Genomes Project 0.00020.
gnomAD v4.1: 22 of 1,612,878 alleles (0.0014%); highest among the groups gnomAD compares: South Asian, 0.023%; no homozygotes.

Submissions (3):

Color Diagnostics, LLC DBA Color Health
Classification: Uncertain significance for Malignant hyperthermia, susceptibility to, 1. Last evaluated: 2025-07-17. Review status: criteria provided, single submitter. Criteria: ACMG Guidelines, 2015. Collection method: clinical testing. Allele origin: germline.
Comment: This missense variant replaces threonine with arginine at codon 2834 of the RYR1 protein. Computational prediction suggests that this variant may not impact protein structure and function. To our knowledge, functional studies have not been reported for this variant. This variant has not been reported in individuals affected with RYR1-related disorders in the literature. This variant has been identified in 13/250820 chromosomes in the general population by the Genome Aggregation Database (gnomAD). The available evidence is insufficient to determine the role of this variant in disease conclusively. Therefore, this variant is classified as a Variant of Uncertain Significance.

Labcorp Genetics (formerly Invitae), Labcorp
Classification: Likely benign for RYR1-related disorder. Last evaluated: 2023-12-31. Review status: criteria provided, single submitter. Criteria: Invitae Variant Classification Sherloc (09022015). Collection method: clinical testing. Allele origin: germline.

Revvity Omics, Revvity
Classification: Uncertain significance. Last evaluated: 2022-02-08. Review status: criteria provided, single submitter. Criteria: ACMG Guidelines, 2015. Collection method: clinical testing. Allele origin: germline.

NM_000540.3(RYR1):c.8501C>G (p.Thr2834Arg)

Genes: RYR1 (ryanodine receptor 1; plus strand), LOC126862902 (BRD4-independent group 4 enhancer GRCh37_chr19:38995830-38997029; plus strand). Cytogenetic location: 19q13.2.
Variant type: single nucleotide variant.
Coding change: c.8501C>G on transcript NM_000540.3 (MANE Select); coding-DNA position 8501, C replaced by G.
Protein change: p.Thr2834Arg; replaces threonine 2834 with arginine.
Molecular consequence: missense variant.
Genome position (GRCh38, 1-based): chr19:38,505,906, C>G. VCF-style: chr19-38505906-C-G. GRCh37 (hg19) VCF-style: chr19-38996546-C-G.
Other names: c.8501C>G, p.Thr2834Arg (NM_001042723.2); short protein forms T2834R.
Identifiers: ClinVar variation 1078957 (VCV001078957.11), dbSNP rs555470100, ClinGen allele CA072110.